The following is an entry in ClinVar:

ClinVar aggregate classification (germline): Likely benign. Review status: criteria provided, multiple submitters, no conflicts (2 of 4 stars). 3 submissions from 3 submitters: Likely benign (3). Last evaluated 2024-01-02.

Conditions:
Hereditary breast ovarian cancer syndrome. Also called: Breast and ovarian cancer; BRCA1- and BRCA2-Associated Hereditary Breast and Ovarian Cancer; Hereditary breast and ovarian cancer; Hereditary breast and/or ovarian cancer syndrome; Hereditary breast and ovarian cancer syndrome; Hereditary breast and ovarian cancer syndrome (HBOC). Identifiers: Orphanet 145, MedGen C0677776, MeSH D061325, MONDO:0003582. Disease mechanism: loss of function.
Breast-ovarian cancer, familial, susceptibility to, 2 (BROVCA2). Also called: BRCA2 Hereditary Breast and Ovarian Cancer. Identifiers: Orphanet 145, MedGen C2675520, MONDO:0012933, OMIM 612555. Disease mechanism: loss of function.
Hereditary cancer-predisposing syndrome. Also called: Tumor predisposition; Hereditary neoplastic syndrome; Neoplastic Syndromes, Hereditary; Hereditary Cancer Syndrome. Identifiers: Orphanet 140162, MedGen C0027672, MeSH D009386, MONDO:0015356.

Allele frequency attached by ClinVar (database versions not stated): TOPMed 0.00001.

Submissions (3):

Labcorp Genetics (formerly Invitae), Labcorp
Classification: Likely benign for Hereditary breast ovarian cancer syndrome. Last evaluated: 2024-01-02. Review status: criteria provided, single submitter. Criteria: Invitae Variant Classification Sherloc (09022015). Collection method: clinical testing. Allele origin: germline.

All of Us Research Program, National Institutes of Health
Classification: Likely benign for Breast-ovarian cancer, familial, susceptibility to, 2. Last evaluated: 2023-06-26. Review status: criteria provided, single submitter. Criteria: ACMG Guidelines, 2015. Collection method: clinical testing. Allele origin: germline. Inheritance: Autosomal dominant inheritance. Observed: 1 variant allele, 1 heterozygote.
Comment: This study involves interpretation of variants in research participants for the purpose of population health screening. Participant phenotype was not available at the time of variant classification. Additional details can be found in publication PMID: 35346344, PMCID: PMC8962531

Color Diagnostics, LLC DBA Color Health
Classification: Likely benign for Hereditary cancer-predisposing syndrome. Last evaluated: 2020-01-06. Review status: criteria provided, single submitter. Criteria: ACMG Guidelines, 2015. Collection method: clinical testing. Allele origin: germline.

NM_000059.4(BRCA2):c.3969A>G (p.Lys1323=)

Gene: BRCA2 (BRCA2 DNA repair associated; plus strand). Cytogenetic location: 13q13.1.
Variant type: single nucleotide variant.
Coding change: c.3969A>G on transcript NM_000059.4 (MANE Select); coding-DNA position 3969, A replaced by G.
Protein change: p.Lys1323=; no amino-acid change (lysine 1323 retained).
Molecular consequence: synonymous variant.
Genome position (GRCh38, 1-based): chr13:32,338,324, A>G. VCF-style: chr13-32338324-A-G. GRCh37 (hg19) VCF-style: chr13-32912461-A-G.
Identifiers: ClinVar variation 927933 (VCV000927933.8), dbSNP rs1204960533, ClinGen allele CA483437968.